The following is an entry in ClinVar:

NM_001009944.3(PKD1):c.4507G>A (p.Gly1503Arg)

Gene: PKD1 (polycystin 1, transient receptor potential channel interacting; minus strand). Cytogenetic location: 16p13.3.
Variant type: single nucleotide variant.
Coding change: c.4507G>A on transcript NM_001009944.3 (MANE Select); coding-DNA position 4507, G replaced by A.
Protein change: p.Gly1503Arg; replaces glycine 1503 with arginine.
Molecular consequence: missense variant.
Genome position (GRCh38, 1-based): chr16:2,110,660, C>T on the plus strand (G>A on the coding strand, the complement: PKD1 is on the minus strand). VCF-style: chr16-2110660-C-T. GRCh37 (hg19) VCF-style: chr16-2160661-C-T.
Other names: c.4507G>A, p.Gly1503Arg (NM_000296.4); short protein forms G1503R.
Identifiers: ClinVar variation 972871 (VCV000972871.5), dbSNP rs2092478372, ClinGen allele CA394379821.

ClinVar aggregate classification (germline): Conflicting classifications of pathogenicity. Review status: criteria provided, conflicting classifications (1 of 4 stars). 3 submissions from 3 submitters: Likely pathogenic (1); Uncertain significance (2). Last evaluated 2024-04-18.

Conditions:
Polycystic kidney disease, adult type (PKD1). Also called: Polycystic Kidney Disease 1, Autosomal Dominant; Polycystic kidney disease 1; Polycystic kidney disease 1, severe; Polycystic Kidney, Autosomal Dominant; POLYCYSTIC KIDNEY DISEASE 1 WITH OR WITHOUT POLYCYSTIC LIVER DISEASE; POLYCYSTIC KIDNEY DISEASE, ADULT, TYPE I. Identifiers: MedGen C3149841, MONDO:0008263, OMIM 173900.

Allele frequency attached by ClinVar (database versions not stated): gnomAD exomes below 0.00001.
gnomAD v4.1: 2 of 1,610,208 alleles (0.00012%); highest among the groups gnomAD compares: Non-Finnish European, 0.00017%; no homozygotes.

Submissions (3):

Department of Pathology and Laboratory Medicine, Sinai Health System
Classification: Uncertain significance for Polycystic kidney disease, adult type. Last evaluated: 2024-04-18. Review status: criteria provided, single submitter. Criteria: ACMG Guidelines, 2015. Collection method: clinical testing. Allele origin: germline.

Victorian Clinical Genetics Services, Murdoch Childrens Research Institute
Classification: Likely pathogenic for Polycystic kidney disease, adult type. Last evaluated: 2023-07-17. Review status: criteria provided, single submitter. Criteria: ACMG Guidelines, 2015. Collection method: clinical testing. Allele origin: germline. Inheritance: Autosomal dominant inheritance.
Comment: Based on the classification scheme VCGS_Germline_v1.3.4, this variant is classified as Likely Pathogenic. Following criteria are met: 0102 - Loss of function is a known mechanism of disease in this gene and is associated with polycystic kidney disease 1 (MIM#173900). (I) 0107 - This gene is associated with autosomal dominant disease. Polycystic kidney disease 1 (MIM#173900) is predominantly caused by monoallelic variants, with rare reports of biallelic variants causing disease (OMIM). (I) 0200 - Variant is predicted to result in a missense amino acid change from glycine to arginine. (I) 0251 - This variant is heterozygous. (I) 0301 - Variant is absent from gnomAD (both v2 and v3). (SP) 0501 - Missense variant consistently predicted to be conflicting by multiple in silico tools and highly conserved with a major amino acid change. (SP) 0600 - Variant is located in an annotated PKD domain (DECIPHER). (I) 0705 - No comparable missense variants have previous evidence for pathogenicity. (I) 0803 - This variant has limited previous evidence of pathogenicity in unrelated individuals. This variant has been classified as a VUS by one clinical diagnostic laboratory (ClinVar). However, it has also been identified in one individual with ADPKD and classified as likely pathogenic (PMID: 22383692, ADPKD mutation database). In addition, the c.4507G>C variant, which results in the same amino acid substitution, has been identified in individuals with ADPKD (PMID: 17582161, ADPKD mutation database). (SP) 0903 - This variant has limited evidence for segregation with disease. This variant has been observed in two members of one family (first cousins) with ADPKD (VCGS). (SP) 1007 - No published functional evidence has been identified for this variant. (I) 1208 - Inheritance information for this variant is not currently available in this individual. (I) Legend: (SP) - Supporting pathogenic, (I) - Information, (SB) - Supporting benign

Molecular Genetics of Inherited Kidney Disorders Laboratory, Garvan Institute of Medical Research
Classification: Uncertain significance. Last evaluated: 2019-01-01. Review status: criteria provided, single submitter. Criteria: ACMG Guidelines, 2015. Collection method: clinical testing. Allele origin: germline. Affected: yes.

Literature cited by the submitters: PubMed 17582161 (cited by Department of Pathology and Laboratory Medicine, Sinai Health System and Victorian Clinical Genetics Services, Murdoch Childrens Research Institute); PubMed 22383692 (cited by Department of Pathology and Laboratory Medicine, Sinai Health System and Victorian Clinical Genetics Services, Murdoch Childrens Research Institute).